The following is an entry in ClinVar:

NM_005560.6(LAMA5):c.8070G>A (p.Leu2690=)

Gene: LAMA5 (laminin subunit alpha 5; minus strand). Cytogenetic location: 20q13.33.
Variant type: single nucleotide variant.
Coding change: c.8070G>A on transcript NM_005560.6 (MANE Select); coding-DNA position 8070, G replaced by A.
Protein change: p.Leu2690=; no amino-acid change (leucine 2690 retained).
Molecular consequence: synonymous variant.
Genome position (GRCh38, 1-based): chr20:62,314,925, C>T on the plus strand (G>A on the coding strand, the complement: LAMA5 is on the minus strand). VCF-style: chr20-62314925-C-T. GRCh37 (hg19) VCF-style: chr20-60889981-C-T.
Identifiers: ClinVar variation 740227 (VCV000740227.5), dbSNP rs376314006, ClinGen allele CA9940882.

ClinVar aggregate classification (germline): Likely benign. Review status: criteria provided, single submitter (1 of 4 stars). 2 submissions from 2 submitters: Likely benign (1). 1 of the submissions does not count toward it. Last evaluated 2018-12-31.

Conditions:
LAMA5-related disorder. Also called: LAMA5-Related Disorders; LAMA5-related condition.

Allele frequency attached by ClinVar (database versions not stated): gnomAD 0.00002; ExAC 0.00005; gnomAD exomes 0.00005 and 0.00008; TOPMed 0.00005; ESP Exome Variant Server 0.00015.
gnomAD v4.1: 112 of 1,605,032 alleles (0.007%); highest among the groups gnomAD compares: Non-Finnish European, 0.0094%; no homozygotes.

Submissions (2):

Labcorp Genetics (formerly Invitae), Labcorp
Classification: Likely benign. Last evaluated: 2018-12-31. Review status: criteria provided, single submitter. Criteria: Invitae Variant Classification Sherloc (09022015). Collection method: clinical testing. Allele origin: germline.

PreventionGenetics, part of Exact Sciences
Classification: Likely benign for LAMA5-related condition. Last evaluated: 2019-04-18. Review status: no assertion criteria provided. Collection method: clinical testing. Allele origin: germline. Not counted in ClinVar's aggregate classification.
Comment: This variant is classified as likely benign based on ACMG/AMP sequence variant interpretation guidelines (Richards et al. 2015 PMID: 25741868, with internal and published modifications).